The following is an entry in ClinVar:

ClinVar aggregate classification (germline): Uncertain significance. Review status: criteria provided, single submitter (1 of 4 stars). 2 submissions from 2 submitters: Uncertain significance (1). 1 of the submissions does not count toward it. Last evaluated 2025-11-24.

Conditions:
Retinal dystrophy. Also called: Inherited retinal dystrophy. Identifiers: Orphanet 71862, MedGen C0854723, MeSH D058499, MONDO:0019118, HP:0000556.

Submissions (2):

Labcorp Genetics (formerly Invitae), Labcorp
Classification: Uncertain significance. Last evaluated: 2025-11-24. Review status: criteria provided, single submitter. Criteria: Invitae Variant Classification Sherloc (09022015). Collection method: clinical testing. Allele origin: germline.
Comment: This variant, c.879_881del, results in the deletion of 1 amino acid(s) of the DTHD1 protein (p.Val294del), but otherwise preserves the integrity of the reading frame. This variant is present in population databases (rs747697241, gnomAD 0.05%). This variant has not been reported in the literature in individuals affected with DTHD1-related conditions. ClinVar contains an entry for this variant (Variation ID: 842757). Experimental studies and prediction algorithms are not available or were not evaluated, and the functional significance of this variant is currently unknown. In summary, the available evidence is currently insufficient to determine the role of this variant in disease. Therefore, it has been classified as a Variant of Uncertain Significance.

Institute of Human Genetics, Univ. Regensburg, Univ. Regensburg
Classification: Uncertain significance for Retinal dystrophy. Last evaluated: 2022-01-01. Review status: no assertion criteria provided. Criteria: ACMG Guidelines, 2015. Collection method: clinical testing. Allele origin: germline. Affected: yes. Not counted in ClinVar's aggregate classification.

NM_001170700.3(DTHD1):c.1746TGT[1] (p.Val584del)

Gene: DTHD1 (death domain containing 1; plus strand). Cytogenetic location: 4p14.
Variant type: Microsatellite.
Coding change: c.1746TGT[1] on transcript NM_001170700.3 (MANE Select); one copy of the 3-base unit TGT starting at c.1746; the reference has two copies in a row; one copy, 3 bases deleted.
Protein change: p.Val584del; deletes valine 584.
Molecular consequence: inframe deletion. On other transcripts: non-coding transcript variant (2).
Genome position (GRCh38, 1-based): chr4:36,306,296-36,306,298, TGT deleted; deleting any 3 consecutive bases within chr4:36,306,293-36,306,298 gives the same sequence; the position shown is the placement nearest the transcript's 3' end. VCF-style (leftmost placement, unchanged base first): chr4-36306292-ATGT-A. GRCh37 (hg19) VCF-style: chr4-36307914-ATGT-A.
Other names: c.876TGT[1], p.Val294del (NM_001136536.5); c.813TGT[1], p.Val273del (NM_001378435.1); c.879_881del (NM_001136536.5); short protein forms V294del, V584del, V273del.
Identifiers: ClinVar variation 842757 (VCV000842757.8), dbSNP rs747697241, ClinGen allele CA2885668.
Genomic context (GRCh38, chr4:36,306,292, plus strand): 5'-GTGAATGTTTGAAATTACTGGGATTCAGAAGCCAAGACAGTGGTTGGTGTGGGCTTGATG[ATGT>A]TGTGAAAACCATACAGAGCGGCTTGGTATCAGTTGAATTGTATGAACATTTGGAGAGGTA-3'